The following is an entry in ClinVar:

ClinVar aggregate classification (germline): Likely pathogenic (1 of 4 stars; one submission).

Conditions:
Junctional epidermolysis bullosa gravis of Herlitz. Also called: EPIDERMOLYSIS BULLOSA JUNCTIONALIS, HERLITZ TYPE; EPIDERMOLYSIS BULLOSA, JUNCTIONAL, HERLITZ-PEARSON TYPE; JEB-HERLITZ TYPE; EPIDERMOLYSIS BULLOSA, JUNCTIONAL 1B, SEVERE; Epidermolysis Bullosa Letalis; Herlitz-type junctional epidermolysis bullosa. Identifiers: Orphanet 79404, MedGen C0079683, MONDO:0009182, OMIM 226700.

Submission:

Myriad Genetics, Inc.
Classification: Likely pathogenic for Junctional epidermolysis bullosa gravis of Herlitz. Last evaluated: 2022-01-13. Review status: criteria provided, single submitter. Criteria: Myriad Women's Health Autosomal Recessive and X-Linked Classification Criteria (2021). Collection method: clinical testing. Allele origin: unknown.
Comment: NM_005562.2(LAMC2):c.2234C>G(S745*) is expected to be pathogenic in the context of junctional epidermolysis bullosa, LAMC2-related. This variant is predicted to lead to an abnormal or absent protein product due to the creation of a premature termination codon in LAMC2, a gene where loss-of-function variants are known to be pathogenic. Please note: this variant was assessed in the context of healthy population screening.

NM_005562.3(LAMC2):c.2234C>G (p.Ser745Ter)

Gene: LAMC2 (laminin subunit gamma 2; plus strand). Cytogenetic location: 1q25.3.
Variant type: single nucleotide variant.
Coding change: c.2234C>G on transcript NM_005562.3 (MANE Select); coding-DNA position 2234, C replaced by G.
Protein change: p.Ser745Ter; replaces serine 745 with a stop codon.
Molecular consequence: nonsense.
Genome position (GRCh38, 1-based): chr1:183,234,380, C>G. VCF-style: chr1-183234380-C-G. GRCh37 (hg19) VCF-style: chr1-183203515-C-G.
Other names: c.2234C>G, p.Ser745Ter (NM_018891.3); short protein forms S745*.
Identifiers: ClinVar variation 1723936 (VCV001723936.2), dbSNP rs756321686, ClinGen allele CA343693685.